The following is an entry in ClinVar:

NM_005862.3(STAG1):c.1634G>A (p.Arg545Lys)

Gene: STAG1 (STAG1 cohesin complex component; minus strand). Cytogenetic location: 3q22.3.
Variant type: single nucleotide variant.
Coding change: c.1634G>A on transcript NM_005862.3 (MANE Select); coding-DNA position 1634, G replaced by A.
Protein change: p.Arg545Lys; replaces arginine 545 with lysine.
Molecular consequence: missense variant.
Genome position (GRCh38, 1-based): chr3:136,433,572, C>T on the plus strand (G>A on the coding strand, the complement: STAG1 is on the minus strand). VCF-style: chr3-136433572-C-T. GRCh37 (hg19) VCF-style: chr3-136152414-C-T.
Other names: short protein forms R545K.
Identifiers: ClinVar variation 3774253 (VCV003774253.1).

ClinVar aggregate classification (germline): Uncertain significance (1 of 4 stars; one submission).

Submission:

GeneDx
Classification: Uncertain significance. Last evaluated: 2024-09-19. Review status: criteria provided, single submitter. Criteria: GeneDx Variant Classification Process June 2021. Collection method: clinical testing. Allele origin: germline. Affected: yes.
Comment: Not observed at significant frequency in large population cohorts (gnomAD); In silico analysis supports that this missense variant has a deleterious effect on protein structure/function; Has not been previously published as pathogenic or benign to our knowledge